The following is an entry in ClinVar:

ClinVar aggregate classification (germline): Conflicting classifications of pathogenicity. Review status: criteria provided, conflicting classifications (1 of 4 stars). 8 submissions from 8 submitters: Pathogenic (2); Likely pathogenic (5); Uncertain significance (1). Last evaluated 2024-01-19.

Conditions:
Inborn genetic diseases. Identifiers: MedGen C0950123, MeSH D030342.
HSD10 mitochondrial disease (HSD10MD). Also called: HSD17B10 DEFICIENCY; 2-METHYL-3-HYDROXYBUTYRYL-CoA DEHYDROGENASE DEFICIENCY; 2-methyl-3-hydroxybutyric aciduria; Chorioathetosis with Mental Retardation and Abnormal Behavior; HSD10 disease; MHBD DEFICIENCY. Identifiers: Orphanet 391417, Orphanet 85295, MedGen C3266731, MONDO:0010327, OMIM 300438. Disease mechanism: loss of function.
Neurodevelopmental delay. Identifiers: MedGen C4022738, HP:0012758.

Submissions (8):

Labcorp Genetics (formerly Invitae), Labcorp
Classification: Uncertain significance. Last evaluated: 2024-01-19. Review status: criteria provided, single submitter. Criteria: Invitae Variant Classification Sherloc (09022015). Collection method: clinical testing. Allele origin: germline.
Comment: This sequence change replaces arginine, which is basic and polar, with cysteine, which is neutral and slightly polar, at codon 147 of the HSD17B10 protein (p.Arg147Cys). This variant is not present in population databases (gnomAD no frequency). This missense change has been observed in individual(s) with clinical features of HSD17B10-related conditions (PMID: 34765396). ClinVar contains an entry for this variant (Variation ID: 420778). Advanced modeling of protein sequence and biophysical properties (such as structural, functional, and spatial information, amino acid conservation, physicochemical variation, residue mobility, and thermodynamic stability) has been performed at Invitae for this missense variant, however the output from this modeling did not meet the statistical confidence thresholds required to predict the impact of this variant on HSD17B10 protein function. In summary, the available evidence is currently insufficient to determine the role of this variant in disease. Therefore, it has been classified as a Variant of Uncertain Significance.

CeGaT Center for Human Genetics Tuebingen
Classification: Likely pathogenic. Last evaluated: 2023-08-01. Review status: criteria provided, single submitter. Criteria: CeGaT Center For Human Genetics Tuebingen Variant Classification Criteria Version 2. Collection method: clinical testing. Allele origin: germline. Affected: yes. Observed: 1 variant allele.
Comment: HSD17B10: PM2, PM6, PS4:Moderate, PP2

GeneDx
Classification: Pathogenic. Last evaluated: 2022-08-22. Review status: criteria provided, single submitter. Criteria: GeneDx Variant Classification Process June 2021. Collection method: clinical testing. Allele origin: germline. Affected: yes.
Comment: Not observed at significant frequency in large population cohorts (gnomAD); In silico analysis supports that this missense variant has a deleterious effect on protein structure/function; This variant is associated with the following publications: (PMID: 12555940, 15342248, 34765396)

Equipe Genetique des Anomalies du Developpement, Université de Bourgogne
Classification: Likely pathogenic for HSD10 mitochondrial disease. Last evaluated: 2021-10-18. Review status: criteria provided, single submitter. Criteria: ACMG Guidelines, 2015. Collection method: clinical testing. Allele origin: de novo. Affected: yes.

Breda Genetics srl
Classification: Likely pathogenic for HSD10 mitochondrial disease. Last evaluated: 2021-07-20. Review status: criteria provided, single submitter. Criteria: ACMG Guidelines, 2015. Collection method: clinical testing. Allele origin: germline. Inheritance: X-linked dominant inheritance. Affected: yes. Observed: 1 variant allele, 1 heterozygote.
Comment: The variant c.439C>T (p.Arg147Cys) in the HSD17B10 gene, rs1064794694, reference transcript NM_001037811.2 is reported as likely pathogenic for a congenital disease in ClinVar (Variation ID: 420778) and in Global Variome shared LOVD 3.0 (genomic variant: #0000576627). There is no information on frequency in gnomAD. The nucleotide position is highly conserved across 35 mammalian species (GERP RS:5.81). In silico analysis indicates that the variant might be damaging.

Ambry Genetics
Classification: Likely pathogenic for Inborn genetic diseases. Last evaluated: 2016-04-26. Review status: criteria provided, single submitter. Criteria: Ambry exome assertion method (8-5-2015). Collection method: clinical testing. Allele origin: germline. Affected: yes. Observed: 1 variant allele.

Centre de Biologie Pathologie Génétique, Centre Hospitalier Universitaire de Lille
Classification: Pathogenic for Neurodevelopmental delay. Review status: criteria provided, single submitter. Criteria: ACMG Guidelines, 2015. Collection method: clinical testing. Allele origin: unknown. Affected: yes.

Juno Genomics, Hangzhou Juno Genomics, Inc
Classification: Likely pathogenic for HSD10 mitochondrial disease. Review status: criteria provided, single submitter. Criteria: ACMG Guidelines, 2015. Collection method: clinical testing. Allele origin: germline. Affected: yes.
Comment: Absent from controls (or at extremely low frequency if recessive) in Genome Aggregation Database, Exome Sequencing Project, 1000 Genomes Project, or Exome Aggregation Consortium.;Multiple lines of computational evidence support a deleterious effect on the gene or gene product (conservation, evolutionary, splicing impact, etc).;The prevalence of the variant in affected individuals is significantly increased compared to the prevalence in controls.;Patient's phenotype or family history is highly specific for a disease with a single genetic etiology.;Assumed de novo, but without confirmation of paternity and maternity.

Literature cited by the submitters: PubMed 34765396 (cited by Labcorp Genetics (formerly Invitae), Labcorp); PubMed 15342248 (cited by Ambry Genetics).

NM_004493.3(HSD17B10):c.439C>T (p.Arg147Cys)

Gene: HSD17B10 (hydroxysteroid 17-beta dehydrogenase 10; minus strand). Cytogenetic location: Xp11.22.
Variant type: single nucleotide variant.
Coding change: c.439C>T on transcript NM_004493.3 (MANE Select); coding-DNA position 439, C replaced by T.
Protein change: p.Arg147Cys; replaces arginine 147 with cysteine.
Molecular consequence: missense variant.
Genome position (GRCh38, 1-based): chrX:53,432,035, G>A on the plus strand (C>T on the coding strand, the complement: HSD17B10 is on the minus strand). VCF-style: chrX-53432035-G-A. GRCh37 (hg19) VCF-style: chrX-53458983-G-A.
Other names: c.439C>T, p.Arg147Cys (NM_001037811.2); short protein forms R147C.
Identifiers: ClinVar variation 420778 (VCV000420778.41), dbSNP rs1064794694, ClinGen allele CA16621449.